The following is an entry in ClinVar:

ClinVar aggregate classification (germline): Likely benign (1 of 4 stars; one submission).

Conditions:
BOD1-related disorder. Also called: BOD1-related condition.

Submission:

PreventionGenetics, part of Exact Sciences
Classification: Likely benign for BOD1-related condition. Last evaluated: 2026-03-06. Review status: criteria provided, single submitter. Criteria: ACMG Guidelines, 2015. Collection method: clinical testing. Allele origin: germline.
Comment: This variant is classified as likely benign based on ACMG/AMP sequence variant interpretation guidelines (Richards et al. 2015 PMID: 25741868, with internal and published modifications).

NM_138369.3(BOD1):c.*2-5_*2-3del

Gene: BOD1 (biorientation of chromosomes in cell division 1; minus strand). Cytogenetic location: 5q35.2.
Variant type: Deletion.
Coding change: c.*2-5_*2-3del on transcript NM_138369.3 (MANE Select); 5 bases into the intron before 2 bases downstream of the stop codon through 3 bases into the intron before 2 bases downstream of the stop codon, 3 bases deleted (TTT; older notation c.*2-5_*2-3delTTT).
Molecular consequence: intron variant.
Genome position (GRCh38, 1-based): chr5:173,608,295-173,608,297, AAA deleted on the plus strand (TTT on the coding strand, the reverse complement: BOD1 is on the minus strand); deleting any 3 consecutive bases within chr5:173,608,295-173,608,299 gives the same sequence; the c. name uses the placement nearest the transcript's 3' end. VCF-style (leftmost placement, unchanged base first): chr5-173608294-TAAA-T. GRCh37 (hg19) VCF-style: chr5-173035297-TAAA-T.
Other names: c.363-5_363-3del (NM_001159651.3).
Identifiers: ClinVar variation 4980972 (VCV004980972.1).